The following is an entry in ClinVar:

ClinVar aggregate classification (germline): Benign/Likely benign. Review status: criteria provided, multiple submitters, no conflicts (2 of 4 stars). 2 submissions from 2 submitters: Benign (1); Likely benign (1). Last evaluated 2025-05-06.

Allele frequency attached by ClinVar (database versions not stated): gnomAD exomes 0.00014; ExAC 0.00025; ESP Exome Variant Server 0.00046; gnomAD 0.00074; TOPMed 0.00083; 1000 Genomes Project 0.00220; 1000 Genomes Project 30x 0.00234.
gnomAD v4.1: 340 of 1,614,004 alleles (0.021%); highest among the groups gnomAD compares: African/African-American, 0.29%; no homozygotes.

Submissions (2):

Labcorp Genetics (formerly Invitae), Labcorp
Classification: Benign. Last evaluated: 2025-05-06. Review status: criteria provided, single submitter. Criteria: Invitae Variant Classification Sherloc (09022015). Collection method: clinical testing. Allele origin: germline.

CeGaT Center for Human Genetics Tuebingen
Classification: Likely benign. Last evaluated: 2023-02-01. Review status: criteria provided, single submitter. Criteria: CeGaT Center For Human Genetics Tuebingen Variant Classification Criteria Version 2. Collection method: clinical testing. Allele origin: germline. Affected: yes. Observed: 2 variant alleles.
Comment: KRT14: BP4, BP7

NM_000526.5(KRT14):c.627C>T (p.Asn209=)

Gene: KRT14 (keratin 14; minus strand). Cytogenetic location: 17q21.2.
Variant type: single nucleotide variant.
Coding change: c.627C>T on transcript NM_000526.5 (MANE Select); coding-DNA position 627, C replaced by T.
Protein change: p.Asn209=; no amino-acid change (asparagine 209 retained).
Molecular consequence: synonymous variant.
Genome position (GRCh38, 1-based): chr17:41,584,395, G>A on the plus strand (C>T on the coding strand, the complement: KRT14 is on the minus strand). VCF-style: chr17-41584395-G-A. GRCh37 (hg19) VCF-style: chr17-39740647-G-A.
Identifiers: ClinVar variation 2039144 (VCV002039144.28), dbSNP rs188343094, ClinGen allele CA8562657.